The following is an entry in ClinVar:

NM_000038.6(APC):c.8033A>G (p.Asn2678Ser)

Gene: APC (APC regulator of Wnt signaling pathway; plus strand). Cytogenetic location: 5q22.2.
Variant type: single nucleotide variant.
Coding change: c.8033A>G on transcript NM_000038.6 (MANE Select); coding-DNA position 8033, A replaced by G.
Protein change: p.Asn2678Ser; replaces asparagine 2678 with serine.
Molecular consequence: missense variant.
Genome position (GRCh38, 1-based): chr5:112,843,627, A>G. VCF-style: chr5-112843627-A-G. GRCh37 (hg19) VCF-style: chr5-112179324-A-G.
Other names: c.8033A>G, p.Asn2678Ser (NM_001127510.3, NM_001354895.2); c.7979A>G, p.Asn2660Ser (NM_001127511.3); c.8087A>G, p.Asn2696Ser (NM_001354896.2); c.8063A>G, p.Asn2688Ser (NM_001354897.2); c.7958A>G, p.Asn2653Ser (NM_001354898.2); c.7949A>G, p.Asn2650Ser (NM_001354899.2); c.7910A>G, p.Asn2637Ser (NM_001354900.2); c.7856A>G, p.Asn2619Ser (NM_001354901.2); and 5 more; short protein forms N2660S, N2678S, N2518S, N2637S, N2696S, N2653S, N2577S, N2587S.
Identifiers: ClinVar variation 350424 (VCV000350424.19), dbSNP rs886059800, ClinGen allele CA10622270.
Genomic context (GRCh38, chr5:112,843,627, plus strand): 5'-GGGTGAGAATTGAGGACTGTCCCATTAACAATCCTAGATCTGGAAGATCTCCCACAGGTA[A>G]TACTCCCCCGGTGATTGACAGTGTTTCAGAAAAGGCAAATCCAAACATTAAAGATTCAAA-3'
Protein context (NP_000029.2, residues 2668-2688): NPRSGRSPTG[Asn2678Ser]TPPVIDSVSE

ClinVar aggregate classification (germline): Uncertain significance. Review status: criteria provided, multiple submitters, no conflicts (2 of 4 stars). 5 submissions from 5 submitters: Uncertain significance (5). Last evaluated 2025-04-14.

Conditions:
Familial adenomatous polyposis 1 (FAP1). Also called: POLYPOSIS, ADENOMATOUS INTESTINAL; FAMILIAL ADENOMATOUS POLYPOSIS 1, ATTENUATED. Identifiers: MedGen C2713442, MONDO:0021056, OMIM 175100. Disease mechanism: loss of function.
Classic or attenuated familial adenomatous polyposis. Identifiers: MedGen CN372698, MONDO:0021057.
Hereditary cancer-predisposing syndrome. Also called: Neoplastic Syndromes, Hereditary; Tumor predisposition; Hereditary neoplastic syndrome; Hereditary Cancer Syndrome. Identifiers: Orphanet 140162, MedGen C0027672, MeSH D009386, MONDO:0015356.

Allele frequency attached by ClinVar (database versions not stated): gnomAD exomes below 0.00001.
gnomAD v4.1: 5 of 1,613,908 alleles (0.00031%); highest among the groups gnomAD compares: South Asian, 0.0011%; no homozygotes.

Submissions (5):

Ambry Genetics
Classification: Uncertain significance for Hereditary cancer-predisposing syndrome. Last evaluated: 2025-04-14. Review status: criteria provided, single submitter. Criteria: Ambry Variant Classification Scheme 2023. Collection method: clinical testing. Allele origin: germline.
Comment: The p.N2678S variant (also known as c.8033A>G), located in coding exon 15 of the APC gene, results from an A to G substitution at nucleotide position 8033. The asparagine at codon 2678 is replaced by serine, an amino acid with highly similar properties. This amino acid position is well conserved in available vertebrate species. In addition, in silico predictors for this gene do not accurately predict pathogenicity. Missense alterations in APC are not a common cause of disease (Spier I et al. Genet Med. 2024 Feb;26(2):100992). Based on the available evidence, the clinical significance of this variant remains unclear.

Color Diagnostics, LLC DBA Color Health
Classification: Uncertain significance for Hereditary cancer-predisposing syndrome. Last evaluated: 2025-03-31. Review status: criteria provided, single submitter. Criteria: ACMG Guidelines, 2015. Collection method: clinical testing. Allele origin: germline.
Comment: This missense variant replaces asparagine with serine at codon 2678 of the APC protein. Computational prediction suggests that this variant may not impact protein structure and function (internally defined REVEL score threshold <= 0.5, PMID: 27666373). To our knowledge, functional studies have not been reported for this variant. This variant has not been reported in individuals affected with APC-related disorders in the literature. This variant has not been identified in the general population by the Genome Aggregation Database (gnomAD). The available evidence is insufficient to determine the role of this variant in disease conclusively. Therefore, this variant is classified as a Variant of Uncertain Significance.

Labcorp Genetics (formerly Invitae), Labcorp
Classification: Uncertain significance for Familial adenomatous polyposis 1. Last evaluated: 2024-11-27. Review status: criteria provided, single submitter. Criteria: Invitae Variant Classification Sherloc (09022015). Collection method: clinical testing. Allele origin: germline.
Comment: This sequence change replaces asparagine, which is neutral and polar, with serine, which is neutral and polar, at codon 2678 of the APC protein (p.Asn2678Ser). This variant is not present in population databases (gnomAD no frequency). This variant has not been reported in the literature in individuals affected with APC-related conditions. ClinVar contains an entry for this variant (Variation ID: 350424). Invitae Evidence Modeling of protein sequence and biophysical properties (such as structural, functional, and spatial information, amino acid conservation, physicochemical variation, residue mobility, and thermodynamic stability) indicates that this missense variant is not expected to disrupt APC protein function with a negative predictive value of 95%. In summary, the available evidence is currently insufficient to determine the role of this variant in disease. Therefore, it has been classified as a Variant of Uncertain Significance.

All of Us Research Program, National Institutes of Health
Classification: Uncertain significance for Classic or attenuated familial adenomatous polyposis. Last evaluated: 2024-03-24. Review status: criteria provided, single submitter. Criteria: ACMG Guidelines, 2015. Collection method: clinical testing. Allele origin: germline. Inheritance: Autosomal dominant inheritance. Observed: 1 variant allele, 1 heterozygote.
Comment: This missense variant replaces asparagine with serine at codon 2678 of the APC protein. Computational prediction suggests that this variant may not impact protein structure and function (internally defined REVEL score threshold <= 0.5, PMID: 27666373). To our knowledge, functional studies have not been reported for this variant. This variant has not been reported in individuals affected with APC-related disorders in the literature. This variant has not been identified in the general population by the Genome Aggregation Database (gnomAD). The available evidence is insufficient to determine the role of this variant in disease conclusively. Therefore, this variant is classified as a Variant of Uncertain Significance.

This study involves interpretation of variants in research participants for the purpose of population health screening. Participant phenotype was not available at the time of variant classification. Additional details can be found in publication PMID: 35346344, PMCID: PMC8962531

Quest Diagnostics Nichols Institute San Juan Capistrano
Classification: Uncertain significance. Last evaluated: 2017-03-20. Review status: criteria provided, single submitter. Criteria: Quest Diagnostics criteria. Collection method: clinical testing. Allele origin: germline.